The following is an entry in ClinVar:

ClinVar aggregate classification (germline): Uncertain significance. Review status: criteria provided, multiple submitters, no conflicts (2 of 4 stars). 3 submissions from 3 submitters: Uncertain significance (3). Last evaluated 2025-10-01.

Allele frequency attached by ClinVar (database versions not stated): gnomAD 0.00001; TOPMed 0.00001; ExAC 0.00002; gnomAD exomes 0.00002 and 0.00003.

Submissions (3):

Ambry Genetics
Classification: Uncertain significance. Last evaluated: 2025-10-01. Review status: criteria provided, single submitter. Criteria: Ambry Variant Classification Scheme 2023. Collection method: clinical testing. Allele origin: germline.

Labcorp Genetics (formerly Invitae), Labcorp
Classification: Uncertain significance. Last evaluated: 2024-10-24. Review status: criteria provided, single submitter. Criteria: Invitae Variant Classification Sherloc (09022015). Collection method: clinical testing. Allele origin: germline.
Comment: This sequence change replaces arginine, which is basic and polar, with glutamine, which is neutral and polar, at codon 81 of the SEMA4A protein (p.Arg81Gln). This variant is present in population databases (rs758162515, gnomAD 0.02%). This variant has not been reported in the literature in individuals affected with SEMA4A-related conditions. ClinVar contains an entry for this variant (Variation ID: 1022896). Invitae Evidence Modeling of protein sequence and biophysical properties (such as structural, functional, and spatial information, amino acid conservation, physicochemical variation, residue mobility, and thermodynamic stability) indicates that this missense variant is not expected to disrupt SEMA4A protein function with a negative predictive value of 80%. In summary, the available evidence is currently insufficient to determine the role of this variant in disease. Therefore, it has been classified as a Variant of Uncertain Significance.

Blueprint Genetics
Classification: Uncertain significance. Last evaluated: 2022-06-09. Review status: criteria provided, single submitter. Criteria: ACMG Guidelines, 2015. Collection method: clinical testing. Allele origin: germline.

NM_022367.4(SEMA4A):c.242G>A (p.Arg81Gln)

Gene: SEMA4A (semaphorin 4A; plus strand). Cytogenetic location: 1q22.
Variant type: single nucleotide variant.
Coding change: c.242G>A on transcript NM_022367.4 (MANE Select); coding-DNA position 242, G replaced by A.
Protein change: p.Arg81Gln; replaces arginine 81 with glutamine.
Molecular consequence: missense variant. On other transcripts: 5 prime UTR variant (4).
Genome position (GRCh38, 1-based): chr1:156,156,516, G>A. VCF-style: chr1-156156516-G-A. GRCh37 (hg19) VCF-style: chr1-156126307-G-A.
Other names: c.242G>A, p.Arg81Gln (NM_001193300.2, NM_001193301.2, NM_001370567.1); c.-56G>A (NM_001193302.2, NM_001370568.1); c.-283G>A (NM_001370569.1, NM_001370571.1); c.242G>A (NM_022367.3); short protein forms R81Q.
Identifiers: ClinVar variation 1022896 (VCV001022896.10), dbSNP rs758162515, ClinGen allele CA1154957.